The following is an entry in ClinVar:

NM_000264.5(PTCH1):c.1925dup (p.Pro643fs)

Genes: PTCH1 (patched 1; minus strand), LOC100507346 (uncharacterized LOC100507346; plus strand). Cytogenetic location: 9q22.32.
Variant type: Duplication.
Coding change: c.1925dup on transcript NM_000264.5 (MANE Select); coding-DNA position 1925, one base duplicated (C; older notation c.1925dupC).
Protein change: p.Pro643fs; shifts the reading frame from proline 643.
Molecular consequence: frameshift variant. On other transcripts: non-coding transcript variant (2).
Genome position (GRCh38, 1-based): chr9:95,469,076, G duplicated on the plus strand (C on the coding strand, the reverse complement: PTCH1 is on the minus strand); the first of 6 consecutive G bases (chr9:95,469,076-95,469,081); duplicating any one gives the same sequence. VCF-style (leftmost placement, unchanged base first): chr9-95469075-T-TG. GRCh37 (hg19) VCF-style: chr9-98231357-T-TG.
Other names: c.1727dup, p.Pro577fs (NM_001083602.3); c.1922dup, p.Pro642fs (NM_001083603.3); c.1472dup, p.Pro492fs (NM_001083604.3, NM_001083605.3, NM_001083606.3 and 1 more transcripts); c.1769dup, p.Pro591fs (NM_001354918.2); c.1925dupC (NM_000264.3); short protein forms P492fs, P577fs, P591fs, P642fs, P643fs.
Identifiers: ClinVar variation 3230965 (VCV003230965.1), dbSNP rs2118053654, ClinGen allele CA2695210998.
Genomic context (GRCh38, chr9:95,469,075, plus strand): 5'-GACAGTGGACTGCATGGTAATCTGCGTTTCATGGGCAAAGCTGTGGCTGCTGTAGGGAGG[T>TG]GGGGGGCTGTAGCGGGTATTGTCGTGTGTGTCGGTGTAGGCCTGAGGTTCAACCTGAATC-3'

ClinVar aggregate classification (germline): Pathogenic (1 of 4 stars; one submission).

Conditions:
Hereditary cancer-predisposing syndrome. Also called: Neoplastic Syndromes, Hereditary; Tumor predisposition; Hereditary neoplastic syndrome; Hereditary Cancer Syndrome. Identifiers: Orphanet 140162, MedGen C0027672, MeSH D009386, MONDO:0015356.

Submission:

Ambry Genetics
Classification: Pathogenic for Hereditary cancer-predisposing syndrome. Last evaluated: 2024-01-03. Review status: criteria provided, single submitter. Criteria: Ambry Variant Classification Scheme 2023. Collection method: clinical testing. Allele origin: germline.
Comment: The c.1925dupC pathogenic mutation, located in coding exon 14 of the PTCH1 gene, results from a duplication of C at nucleotide position 1925, causing a translational frameshift with a predicted alternate stop codon (p.P643Tfs*11). This alteration has been observed in at least one individual with a personal and/or family history that is consistent with PTCH1-related disease (Ambry internal data; Pruvost-Balland C et al. Ann Dermatol Venereol, 2006 Feb;133:117-23). This variant is considered to be rare based on population cohorts in the Genome Aggregation Database (gnomAD). This alteration is expected to result in loss of function by premature protein truncation or nonsense-mediated mRNA decay. As such, this alteration is interpreted as a disease-causing mutation.

Literature cited by the submitters: PubMed 16508594.